The following is an entry in ClinVar:

NM_001298.3(CNGA3):c.396-4G>C

Gene: CNGA3 (cyclic nucleotide gated channel subunit alpha 3; plus strand). Cytogenetic location: 2q11.2.
Variant type: single nucleotide variant.
Coding change: c.396-4G>C on transcript NM_001298.3 (MANE Select); 4 bases into the intron before coding-DNA position 396, G replaced by C.
Molecular consequence: intron variant.
Genome position (GRCh38, 1-based): chr2:98,383,384, G>C. VCF-style: chr2-98383384-G-C. GRCh37 (hg19) VCF-style: chr2-98999847-G-C.
Other names: c.395+3030G>C (NM_001079878.2).
Identifiers: ClinVar variation 2720018 (VCV002720018.3), dbSNP rs114951127, ClinGen allele CA2581813992.
Genomic context (GRCh38, chr2:98,383,384, plus strand): 5'-TGAAATGGCCCCAAGGAATGGAAACAGAGTTCAGACCCTTGATGTTCTCTCTACCTTCCC[G>C]CAGCGCCTGGCCCCTGGCCAAATGCAACACTAACACCAGCAACAACACGGAGGAGGAGTA-3'

ClinVar aggregate classification (germline): Uncertain significance (1 of 4 stars; one submission).

Submission:

Labcorp Genetics (formerly Invitae), Labcorp
Classification: Uncertain significance. Last evaluated: 2023-06-27. Review status: criteria provided, single submitter. Criteria: Invitae Variant Classification Sherloc (09022015). Collection method: clinical testing. Allele origin: germline.
Comment: In summary, the available evidence is currently insufficient to determine the role of this variant in disease. Therefore, it has been classified as a Variant of Uncertain Significance. Algorithms developed to predict the effect of sequence changes on RNA splicing suggest that this variant may disrupt the consensus splice site. This variant has not been reported in the literature in individuals affected with CNGA3-related conditions. This variant is not present in population databases (gnomAD no frequency). This sequence change falls in intron 4 of the CNGA3 gene. It does not directly change the encoded amino acid sequence of the CNGA3 protein.